The following is an entry in ClinVar:

ClinVar aggregate classification (germline): Uncertain significance (1 of 4 stars; one submission).

Conditions:
Hereditary breast ovarian cancer syndrome. Also called: Hereditary breast and ovarian cancer syndrome (HBOC); Hereditary breast and ovarian cancer; Breast and ovarian cancer; Hereditary breast and/or ovarian cancer syndrome; BRCA1- and BRCA2-Associated Hereditary Breast and Ovarian Cancer; Hereditary breast and ovarian cancer syndrome. Identifiers: Orphanet 145, MedGen C0677776, MeSH D061325, MONDO:0003582. Disease mechanism: loss of function.

Submission:

Labcorp Genetics (formerly Invitae), Labcorp
Classification: Uncertain significance for Hereditary breast ovarian cancer syndrome. Last evaluated: 2025-05-02. Review status: criteria provided, single submitter. Criteria: Invitae Variant Classification Sherloc (09022015). Collection method: clinical testing. Allele origin: germline.
Comment: This sequence change replaces serine, which is neutral and polar, with threonine, which is neutral and polar, at codon 1342 of the BRCA2 protein (p.Ser1342Thr). This variant is not present in population databases (gnomAD no frequency). This variant has not been reported in the literature in individuals affected with BRCA2-related conditions. Invitae Evidence Modeling of protein sequence and biophysical properties (such as structural, functional, and spatial information, amino acid conservation, physicochemical variation, residue mobility, and thermodynamic stability) indicates that this missense variant is not expected to disrupt BRCA2 protein function with a negative predictive value of 95%. In summary, the available evidence is currently insufficient to determine the role of this variant in disease. Therefore, it has been classified as a Variant of Uncertain Significance.

NM_000059.4(BRCA2):c.4025G>C (p.Ser1342Thr)

Gene: BRCA2 (BRCA2 DNA repair associated; plus strand). Cytogenetic location: 13q13.1.
Variant type: single nucleotide variant.
Coding change: c.4025G>C on transcript NM_000059.4 (MANE Select); coding-DNA position 4025, G replaced by C.
Protein change: p.Ser1342Thr; replaces serine 1342 with threonine.
Molecular consequence: missense variant. On other transcripts: non-coding transcript variant (1), intron variant (2).
Genome position (GRCh38, 1-based): chr13:32,338,380, G>C. VCF-style: chr13-32338380-G-C. GRCh37 (hg19) VCF-style: chr13-32912517-G-C.
Other names: c.4025G>C, p.Ser1342Thr (NM_001406719.1, NM_001406720.1, NM_001432077.1); c.1909+4993G>C (NM_001406721.1); c.425-6178G>C (NM_001406722.1); short protein forms S1342T.
Identifiers: ClinVar variation 4802302 (VCV004802302.1).